The following is an entry in ClinVar:

ClinVar aggregate classification (germline): Uncertain significance (1 of 4 stars; one submission).

Conditions:
Autosomal dominant nocturnal frontal lobe epilepsy 5. Also called: CILIARY DYSKINESIA, PRIMARY, 28, WITH SITUS INVERSUS; KCNT1-Related Epilepsy; CILIARY DYSKINESIA, PRIMARY, 28, WITHOUT SITUS INVERSUS; Epilepsy, nocturnal frontal lobe, 5. Identifiers: Orphanet 98784, MedGen C3554306, MONDO:0014002, OMIM 615005.
Developmental and epileptic encephalopathy, 14 (DEE14). Also called: Early infantile epileptic encephalopathy 14. Identifiers: Orphanet 293181, MedGen C3554195, MONDO:0013989, OMIM 614959.

Allele frequency attached by ClinVar (database versions not stated): gnomAD 0.00001 and 0.00002; ExAC 0.00002; gnomAD exomes 0.00002.
gnomAD v4.1: 35 of 1,612,534 alleles (0.0022%); highest among the groups gnomAD compares: Non-Finnish European, 0.0028%; no homozygotes.

Submission:

Labcorp Genetics (formerly Invitae), Labcorp
Classification: Uncertain significance for Autosomal dominant nocturnal frontal lobe epilepsy 5; Developmental and epileptic encephalopathy, 14. Last evaluated: 2025-03-10. Review status: criteria provided, single submitter. Criteria: Invitae Variant Classification Sherloc (09022015). Collection method: clinical testing. Allele origin: germline.
Comment: This sequence change replaces aspartic acid, which is acidic and polar, with asparagine, which is neutral and polar, at codon 1016 of the KCNT1 protein (p.Asp1016Asn). This variant is present in population databases (rs779908455, gnomAD 0.004%). This variant has not been reported in the literature in individuals affected with KCNT1-related conditions. ClinVar contains an entry for this variant (Variation ID: 1396914). Invitae Evidence Modeling of protein sequence and biophysical properties (such as structural, functional, and spatial information, amino acid conservation, physicochemical variation, residue mobility, and thermodynamic stability) indicates that this missense variant is not expected to disrupt KCNT1 protein function with a negative predictive value of 80%. In summary, the available evidence is currently insufficient to determine the role of this variant in disease. Therefore, it has been classified as a Variant of Uncertain Significance.

NM_020822.3(KCNT1):c.3046G>A (p.Asp1016Asn)

Gene: KCNT1 (potassium sodium-activated channel subfamily T member 1; plus strand). Cytogenetic location: 9q34.3.
Variant type: single nucleotide variant.
Coding change: c.3046G>A on transcript NM_020822.3 (MANE Select); coding-DNA position 3046, G replaced by A.
Protein change: p.Asp1016Asn; replaces aspartic acid 1016 with asparagine.
Molecular consequence: missense variant.
Genome position (GRCh38, 1-based): chr9:135,784,779, G>A. VCF-style: chr9-135784779-G-A. GRCh37 (hg19) VCF-style: chr9-138676625-G-A.
Other names: c.2911G>A, p.Asp971Asn (NM_001272003.2); short protein forms D1016N, D971N.
Identifiers: ClinVar variation 1396914 (VCV001396914.8), dbSNP rs779908455, ClinGen allele CA5327596.